The following is an entry in ClinVar:

ClinVar aggregate classification (germline): Pathogenic/Likely pathogenic. Review status: criteria provided, multiple submitters, no conflicts (2 of 4 stars). 2 submissions from 2 submitters: Pathogenic (1); Likely pathogenic (1). Last evaluated 2024-03-13.

Conditions:
Type 2 diabetes mellitus. Also called: Type II diabetes mellitus. Identifiers: MedGen C0011860, MeSH D003924, MONDO:0005148, OMIM 125853, HP:0005978.
Wolfram syndrome 1 (WFS1). Identifiers: Orphanet 3463, MedGen C4551693, MONDO:0009101, OMIM 222300.
Autosomal dominant nonsyndromic hearing loss 6 (LFSNHL). Also called: Autosomal dominant nonsyndromic deafness 6; DEAFNESS, AUTOSOMAL DOMINANT 6; DEAFNESS, AUTOSOMAL DOMINANT 14; DEAFNESS, AUTOSOMAL DOMINANT 38. Identifiers: Orphanet 90635, MedGen C1833021, MONDO:0010963, OMIM 600965.
Wolfram-like syndrome. Also called: HEARING LOSS, PROGRESSIVE, WITH OPTIC ATROPHY AND/OR IMPAIRED GLUCOSE REGULATION. Identifiers: Orphanet 411590, MedGen C3280358, MONDO:0013673, OMIM 614296.
Cataract 41 (CTRCT41). Also called: CATARACT 41, CONGENITAL NUCLEAR TYPE. Identifiers: Orphanet 91492, Orphanet 98991, Orphanet 98992, Orphanet 98995, MedGen C3805412, MONDO:0007287, OMIM 116400.

Submissions (2):

Fulgent Genetics
Classification: Likely pathogenic for Cataract 41; Type 2 diabetes mellitus; Wolfram syndrome 1; Autosomal dominant nonsyndromic hearing loss 6; Wolfram-like syndrome. Last evaluated: 2024-03-13. Review status: criteria provided, single submitter. Criteria: ACMG Guidelines, 2015. Collection method: clinical testing. Allele origin: germline.

Labcorp Genetics (formerly Invitae), Labcorp
Classification: Pathogenic. Last evaluated: 2024-02-02. Review status: criteria provided, single submitter. Criteria: Invitae Variant Classification Sherloc (09022015). Collection method: clinical testing. Allele origin: germline.
Comment: This sequence change creates a premature translational stop signal (p.Asn4Glnfs*52) in the WFS1 gene. It is expected to result in an absent or disrupted protein product. Loss-of-function variants in WFS1 are known to be pathogenic (PMID: 12955714). This variant is not present in population databases (gnomAD no frequency). This variant has not been reported in the literature in individuals affected with WFS1-related conditions. ClinVar contains an entry for this variant (Variation ID: 1075961). For these reasons, this variant has been classified as Pathogenic.

Literature cited by the submitters: PubMed 12955714 (cited by Labcorp Genetics (formerly Invitae), Labcorp).

NM_006005.3(WFS1):c.9dup (p.Asn4fs)

Gene: WFS1 (wolframin ER transmembrane glycoprotein; plus strand). Cytogenetic location: 4p16.1.
Variant type: Duplication.
Coding change: c.9dup on transcript NM_006005.3 (MANE Select); coding-DNA position 9, one base duplicated (C; older notation c.9dupC).
Protein change: p.Asn4fs; shifts the reading frame from asparagine 4.
Molecular consequence: frameshift variant.
Genome position (GRCh38, 1-based): chr4:6,277,464, C duplicated; the last of 2 consecutive C bases (chr4:6,277,463-6,277,464); duplicating either gives the same sequence. VCF-style (leftmost placement, unchanged base first): chr4-6277462-T-TC. GRCh37 (hg19) VCF-style: chr4-6279189-T-TC.
Other names: c.9dup, p.Asn4fs (NM_001145853.1); short protein forms N4fs.
Identifiers: ClinVar variation 1075961 (VCV001075961.9), dbSNP rs2109107823, ClinGen allele CA2499217327.
Genomic context (GRCh38, chr4:6,277,462, plus strand): 5'-AGCGGGCTCTGCCGGTGCTGGATGTGCCTGACCTTGACTTTTCTTCCAGGCAGGATGGAC[T>TC]CCAACACTGCTCCGCTGGGCCCCTCCTGCCCACAGCCCCCGCCAGCACCGCAGCCCCAGG-3'